The following is an entry in ClinVar:

ClinVar aggregate classification (germline): Uncertain significance (1 of 4 stars; one submission).

gnomAD v4.1: 3 of 1,613,188 alleles (0.00019%); highest among the groups gnomAD compares: South Asian, 0.0011%; no homozygotes.

Submission:

Labcorp Genetics (formerly Invitae), Labcorp
Classification: Uncertain significance. Last evaluated: 2025-02-15. Review status: criteria provided, single submitter. Criteria: Invitae Variant Classification Sherloc (09022015). Collection method: clinical testing. Allele origin: germline.
Comment: This sequence change replaces cysteine, which is neutral and slightly polar, with arginine, which is basic and polar, at codon 417 of the CFHR5 protein (p.Cys417Arg). This variant is not present in population databases (gnomAD no frequency). This variant has not been reported in the literature in individuals affected with CFHR5-related conditions. Invitae Evidence Modeling of protein sequence and biophysical properties (such as structural, functional, and spatial information, amino acid conservation, physicochemical variation, residue mobility, and thermodynamic stability) indicates that this missense variant is expected to disrupt CFHR5 protein function with a positive predictive value of 80%. In summary, the available evidence is currently insufficient to determine the role of this variant in disease. Therefore, it has been classified as a Variant of Uncertain Significance.

NM_030787.4(CFHR5):c.1249T>C (p.Cys417Arg)

Gene: CFHR5 (complement factor H related 5; plus strand). Cytogenetic location: 1q31.3.
Variant type: single nucleotide variant.
Coding change: c.1249T>C on transcript NM_030787.4 (MANE Select); coding-DNA position 1249, T replaced by C.
Protein change: p.Cys417Arg; replaces cysteine 417 with arginine.
Molecular consequence: missense variant.
Genome position (GRCh38, 1-based): chr1:197,002,583, T>C. VCF-style: chr1-197002583-T-C. GRCh37 (hg19) VCF-style: chr1-196971713-T-C.
Other names: short protein forms C417R.
Identifiers: ClinVar variation 3665272 (VCV003665272.2).